The following is an entry in ClinVar:

ClinVar aggregate classification (germline): Uncertain significance. Review status: criteria provided, multiple submitters, no conflicts (2 of 4 stars). 2 submissions from 2 submitters: Uncertain significance (2). Last evaluated 2024-12-28.

Allele frequency attached by ClinVar (database versions not stated): ExAC 0.00002; ESP Exome Variant Server 0.00008.
gnomAD v4.1: 34 of 1,613,816 alleles (0.0021%); highest among the groups gnomAD compares: East Asian, 0.0067%; no homozygotes.

Submissions (2):

Ambry Genetics
Classification: Uncertain significance. Last evaluated: 2024-12-28. Review status: criteria provided, single submitter. Criteria: Ambry Variant Classification Scheme 2023. Collection method: clinical testing. Allele origin: germline.

Labcorp Genetics (formerly Invitae), Labcorp
Classification: Uncertain significance. Last evaluated: 2024-12-02. Review status: criteria provided, single submitter. Criteria: Invitae Variant Classification Sherloc (09022015). Collection method: clinical testing. Allele origin: germline.
Comment: This sequence change replaces aspartic acid, which is acidic and polar, with asparagine, which is neutral and polar, at codon 453 of the TNS2 protein (p.Asp453Asn). This variant is present in population databases (rs145813729, gnomAD 0.01%). This variant has not been reported in the literature in individuals affected with TNS2-related conditions. ClinVar contains an entry for this variant (Variation ID: 2719904). An algorithm developed to predict the effect of missense changes on protein structure and function (PolyPhen-2) suggests that this variant is likely to be tolerated. In summary, the available evidence is currently insufficient to determine the role of this variant in disease. Therefore, it has been classified as a Variant of Uncertain Significance.

NM_170754.4(TNS2):c.1327G>A (p.Asp443Asn)

Gene: TNS2 (tensin 2; plus strand). Cytogenetic location: 12q13.13.
Variant type: single nucleotide variant.
Coding change: c.1327G>A on transcript NM_170754.4 (MANE Select); coding-DNA position 1327, G replaced by A.
Protein change: p.Asp443Asn; replaces aspartic acid 443 with asparagine.
Molecular consequence: missense variant.
Genome position (GRCh38, 1-based): chr12:53,058,749, G>A. VCF-style: chr12-53058749-G-A. GRCh37 (hg19) VCF-style: chr12-53452533-G-A.
Other names: c.1327G>A, p.Asp443Asn (NM_001416202.1, NM_001416204.1); c.1258G>A, p.Asp420Asn (NM_001416203.1, NM_015319.3); c.955G>A, p.Asp319Asn (NM_198316.2); c.1357G>A (NM_015319.2); short protein forms D420N, D319N, D443N.
Identifiers: ClinVar variation 2719904 (VCV002719904.4), dbSNP rs145813729, ClinGen allele CA6592295.
Genomic context (GRCh38, chr12:53,058,749, plus strand): 5'-CCAATACCCGAGTGGCCTTCCACAGGCAGCACTCCACGGAACGACCCCTCGGTCTCTGTC[G>A]ACTACAACACCACTGAGCCAGCCGTGCGCTGGGACTCCTATGAGAACTTCAACCAGCACC-3'
Protein context (NP_736610.2, residues 433-453): TPRNDPSVSV[Asp443Asn]YNTTEPAVRW